The following is an entry in ClinVar:

ClinVar aggregate classification (germline): Likely pathogenic (1 of 4 stars; one submission).

Conditions:
Becker muscular dystrophy, Cardiomyopathy, Duchenne muscular dystrophy, Dystrophin deficiency.

Submission:

Natera, Inc.
Classification: Likely pathogenic for Becker muscular dystrophy, Cardiomyopathy, Duchenne muscular dystrophy, Dystrophin deficiency. Last evaluated: 2025-07-23. Review status: criteria provided, single submitter. Criteria: Natera Variant Classification Schema (03/2026). Collection method: clinical testing. Allele origin: germline.
Comment: The c.3743dup variant in DMD is a frameshift variant predicted to shift the reading frame beginning at codon 1249 and leads to a stop codon 5 codons downstream. This variant is expected to result in nonsense mediated decay, truncation, or a dysfunctional protein product. This variant is rare in the general population with a frequency below the threshold expected for the associated phenotype(s). Given the available evidence, this variant is classified as Likely Pathogenic.

NM_004006.3(DMD):c.3743dup (p.Trp1249fs)

Gene: DMD (dystrophin; minus strand). Cytogenetic location: Xp21.1.
Variant type: Duplication.
Coding change: c.3743dup on transcript NM_004006.3 (MANE Select); coding-DNA position 3743, one base duplicated (A; older notation c.3743dupA).
Protein change: p.Trp1249fs; shifts the reading frame from tryptophan 1249.
Molecular consequence: frameshift variant.
Genome position (GRCh38, 1-based): chrX:32,448,499, T duplicated on the plus strand (A on the coding strand, the reverse complement: DMD is on the minus strand). VCF-style (leftmost placement, unchanged base first): chrX-32448498-C-CT. GRCh37 (hg19) VCF-style: chrX-32466615-C-CT.
Other names: c.3719dup, p.Trp1241fs (NM_000109.4); c.3731dup, p.Trp1245fs (NM_004009.3); c.3374dup, p.Trp1126fs (NM_004010.3); short protein forms W1126fs, W1241fs, W1245fs, W1249fs.
Identifiers: ClinVar variation 4815306 (VCV004815306.1).